The following is an entry in ClinVar:

ClinVar aggregate classification (germline): Uncertain significance. Review status: criteria provided, multiple submitters, no conflicts (2 of 4 stars). 2 submissions from 2 submitters: Uncertain significance (2). Last evaluated 2025-07-05.

Submissions (2):

GeneDx
Classification: Uncertain significance. Last evaluated: 2025-07-05. Review status: criteria provided, single submitter. Criteria: GeneDx Variant Classification Process June 2021. Collection method: clinical testing. Allele origin: germline. Affected: yes.
Comment: Has not been previously published as pathogenic or benign to our knowledge; Not observed at significant frequency in large population cohorts (gnomAD); In silico analysis supports that this missense variant has a deleterious effect on protein structure/function

Labcorp Genetics (formerly Invitae), Labcorp
Classification: Uncertain significance. Last evaluated: 2024-09-18. Review status: criteria provided, single submitter. Criteria: Invitae Variant Classification Sherloc (09022015). Collection method: clinical testing. Allele origin: germline.
Comment: This sequence change replaces proline, which is neutral and non-polar, with leucine, which is neutral and non-polar, at codon 1252 of the KMT2A protein (p.Pro1252Leu). This variant is not present in population databases (gnomAD no frequency). This variant has not been reported in the literature in individuals affected with KMT2A-related conditions. Invitae Evidence Modeling of protein sequence and biophysical properties (such as structural, functional, and spatial information, amino acid conservation, physicochemical variation, residue mobility, and thermodynamic stability) has been performed for this missense variant. However, the output from this modeling did not meet the statistical confidence thresholds required to predict the impact of this variant on KMT2A protein function. In summary, the available evidence is currently insufficient to determine the role of this variant in disease. Therefore, it has been classified as a Variant of Uncertain Significance.

NM_001197104.2(KMT2A):c.3755C>T (p.Pro1252Leu)

Gene: KMT2A (lysine methyltransferase 2A; plus strand). Cytogenetic location: 11q23.3.
Variant type: single nucleotide variant.
Coding change: c.3755C>T on transcript NM_001197104.2 (MANE Select); coding-DNA position 3755, C replaced by T.
Protein change: p.Pro1252Leu; replaces proline 1252 with leucine.
Molecular consequence: missense variant.
Genome position (GRCh38, 1-based): chr11:118,481,835, C>T. VCF-style: chr11-118481835-C-T. GRCh37 (hg19) VCF-style: chr11-118352550-C-T.
Other names: c.3854C>T, p.Pro1285Leu (NM_001412597.1); c.3755C>T, p.Pro1252Leu (NM_005933.4); short protein forms P1285L, P1252L.
Identifiers: ClinVar variation 2779456 (VCV002779456.4), dbSNP rs2496862826, ClinGen allele CA382827705.
Genomic context (GRCh38, chr11:118,481,835, plus strand): 5'-GTGTTGTGAAGAACGTGGTGGACTCTAGTCAGAAACCTACCCCATCAGCAAGAGAGGATC[C>T]TGCCCCAAAGAAAAGCAGTAGTGAGCCTCCTCCACGAAAGCCCGTCGAGGAAAAGAGTGA-3'
Protein context (NP_001184033.1, residues 1242-1262): QKPTPSARED[Pro1252Leu]APKKSSSEPP